The following is an entry in ClinVar:

NM_001184900.3(CARD8):c.1236A>T (p.Glu412Asp)

Gene: CARD8 (caspase recruitment domain family member 8; minus strand). Cytogenetic location: 19q13.33.
Variant type: single nucleotide variant.
Coding change: c.1236A>T on transcript NM_001184900.3 (MANE Select); coding-DNA position 1236, A replaced by T.
Protein change: p.Glu412Asp; replaces glutamic acid 412 with aspartic acid.
Molecular consequence: missense variant. On other transcripts: non-coding transcript variant (2), intron variant (7).
Genome position (GRCh38, 1-based): chr19:48,218,938, T>A on the plus strand (A>T on the coding strand, the complement: CARD8 is on the minus strand). VCF-style: chr19-48218938-T-A. GRCh37 (hg19) VCF-style: chr19-48722195-T-A.
Other names: c.1086A>T, p.Glu362Asp (NM_001184901.1, NM_001351783.2, NM_014959.5); c.1236A>T, p.Glu412Asp (NM_001351782.2); c.921A>T, p.Glu307Asp (NM_001351784.2, NM_001351787.2); c.900A>T, p.Glu300Asp (NM_001351786.2); c.918A>T, p.Glu306Asp (NM_001365950.1); c.846+2792A>T (NM_001351791.2, NM_001351792.2); c.1011+2792A>T (NM_001351788.2, NM_001351789.2); c.918+2792A>T (NM_001351790.2); and 1 more; short protein forms E300D, E306D, E412D, E307D, E362D.
Identifiers: ClinVar variation 1910511 (VCV001910511.5), dbSNP rs1405469914, ClinGen allele CA406664745.

ClinVar aggregate classification (germline): Uncertain significance (1 of 4 stars; one submission).

Allele frequency attached by ClinVar (database versions not stated): gnomAD exomes below 0.00001; gnomAD 0.00001.
gnomAD v4.1: 4 of 1,613,658 alleles (0.00025%); highest among the groups gnomAD compares: African/African-American, 0.0027%; no homozygotes.

Submission:

Labcorp Genetics (formerly Invitae), Labcorp
Classification: Uncertain significance. Last evaluated: 2022-07-25. Review status: criteria provided, single submitter. Criteria: Invitae Variant Classification Sherloc (09022015). Collection method: clinical testing. Allele origin: germline.
Comment: In summary, the available evidence is currently insufficient to determine the role of this variant in disease. Therefore, it has been classified as a Variant of Uncertain Significance. Algorithms developed to predict the effect of missense changes on protein structure and function are either unavailable or do not agree on the potential impact of this missense change (SIFT: "Tolerated"; PolyPhen-2: "Probably Damaging"; Align-GVGD: "Class C0"). This variant has not been reported in the literature in individuals affected with CARD8-related conditions. This variant is present in population databases (no rsID available, gnomAD 0.003%). This sequence change replaces glutamic acid, which is acidic and polar, with aspartic acid, which is acidic and polar, at codon 362 of the CARD8 protein (p.Glu362Asp).